The following is an entry in ClinVar:

NM_139318.5(KCNH5):c.1844A>C (p.Asp615Ala)

Gene: KCNH5 (potassium voltage-gated channel subfamily H member 5; minus strand). Cytogenetic location: 14q23.2.
Variant type: single nucleotide variant.
Coding change: c.1844A>C on transcript NM_139318.5 (MANE Select); coding-DNA position 1844, A replaced by C.
Protein change: p.Asp615Ala; replaces aspartic acid 615 with alanine.
Molecular consequence: missense variant. On other transcripts: intron variant (1).
Genome position (GRCh38, 1-based): chr14:62,779,903, T>G on the plus strand (A>C on the coding strand, the complement: KCNH5 is on the minus strand). VCF-style: chr14-62779903-T-G. GRCh37 (hg19) VCF-style: chr14-63246621-T-G.
Other names: c.1822+22426A>C (NM_172375.3); short protein forms D615A.
Identifiers: ClinVar variation 4293836 (VCV004293836.1).

ClinVar aggregate classification (germline): Uncertain significance (1 of 4 stars; one submission).

Conditions:
Developmental and epileptic encephalopathy 112. Identifiers: MedGen C5882700, MONDO:0957812, OMIM 620537.

Submission:

3billion
Classification: Uncertain significance for Developmental and epileptic encephalopathy 112. Last evaluated: 2024-10-31. Review status: criteria provided, single submitter. Criteria: ACMG Guidelines, 2015. Collection method: clinical testing. Allele origin: germline. Affected: yes.
Comment: The variant is not observed in the gnomAD v4.1.0 dataset. Predicted Consequence/Location: Missense variant. Missense changes are a common disease-causing mechanism. In silico tool predictions suggest damaging effect of the variant on gene or gene product [REVEL: 0.81 (>=0.6, sensitivity 0.68 and specificity 0.92)]. Therefore, this variant is classified as VUS according to the recommendation of ACMG/AMP guideline.